The following is an entry in ClinVar:

NM_001142864.4(PIEZO1):c.1670-7C>T

Genes: HSALR1 (HSP90AB1 associated lncRNA 1; plus strand), PIEZO1 (piezo type mechanosensitive ion channel component 1 (Er blood group); minus strand). Cytogenetic location: 16q24.3.
Variant type: single nucleotide variant.
Coding change: c.1670-7C>T on transcript NM_001142864.4 (MANE Select); 7 bases into the intron before coding-DNA position 1670, C replaced by T.
Molecular consequence: intron variant.
Genome position (GRCh38, 1-based): chr16:88,735,060, G>A on the plus strand (C>T on the coding strand, the complement: PIEZO1 is on the minus strand). VCF-style: chr16-88735060-G-A. GRCh37 (hg19) VCF-style: chr16-88801468-G-A.
Identifiers: ClinVar variation 3032713 (VCV003032713.2), dbSNP rs1405281897, ClinGen allele CA624449562.
Genomic context (GRCh38, chr16:88,735,060, plus strand): 5'-CGCCCTTCACCAGCTCCCCCAGGCTCTGCAACAGCGTCTGCGTCCGCGTGGGCTCTGTGG[G>A]CCAAGCCAGGGGCAGGCGATGGCATCAGGGCGGGCAGGCAGGAGGGCAACCCCCGCCTCT-3'

ClinVar aggregate classification (germline): Likely benign (0 of 4 stars; one submission).

Conditions:
PIEZO1-related disorder. Also called: PIEZO1-Related Disorders; PIEZO1-related condition.

Allele frequency attached by ClinVar (database versions not stated): TOPMed below 0.00001; gnomAD 0.00001.
gnomAD v4.1: 58 of 1,550,136 alleles (0.0037%); highest among the groups gnomAD compares: Non-Finnish European, 0.0049%; no homozygotes.

Submission:

PreventionGenetics, part of Exact Sciences
Classification: Likely benign for PIEZO1-related condition. Last evaluated: 2022-05-20. Review status: no assertion criteria provided. Collection method: clinical testing. Allele origin: germline.
Comment: This variant is classified as likely benign based on ACMG/AMP sequence variant interpretation guidelines (Richards et al. 2015 PMID: 25741868, with internal and published modifications).